The following is an entry in ClinVar:

NM_001458.5(FLNC):c.4140C>T (p.Thr1380=)

Gene: FLNC (filamin C; plus strand). Cytogenetic location: 7q32.1.
Variant type: single nucleotide variant.
Coding change: c.4140C>T on transcript NM_001458.5 (MANE Select); coding-DNA position 4140, C replaced by T.
Protein change: p.Thr1380=; no amino-acid change (threonine 1380 retained).
Molecular consequence: synonymous variant.
Genome position (GRCh38, 1-based): chr7:128,846,757, C>T. VCF-style: chr7-128846757-C-T. GRCh37 (hg19) VCF-style: chr7-128486811-C-T.
Other names: c.4140C>T, p.Thr1380= (NM_001127487.2).
Identifiers: ClinVar variation 472062 (VCV000472062.17), dbSNP rs183668401, ClinGen allele CA4475259.

ClinVar aggregate classification (germline): Benign/Likely benign. Review status: criteria provided, multiple submitters, no conflicts (2 of 4 stars). 5 submissions from 5 submitters: Benign (2); Likely benign (3). Last evaluated 2026-02-03.

Conditions:
Myofibrillar myopathy 5. Also called: FILAMINOPATHY, AUTOSOMAL DOMINANT; Filaminopathy (type). Identifiers: Orphanet 171445, MedGen C1836050, MONDO:0012289, OMIM 609524.
Distal myopathy with posterior leg and anterior hand involvement. Also called: WILLIAMS DISTAL MYOPATHY. Identifiers: Orphanet 63273, MedGen C3279722, MONDO:0013550, OMIM 614065.
Hypertrophic cardiomyopathy 26. Also called: Cardiomyopathy, familial hypertrophic, 26. Identifiers: Orphanet 75249, MedGen C4310749, MONDO:0014883, OMIM 617047.
Cardiovascular phenotype. Identifiers: MedGen CN230736.

Allele frequency attached by ClinVar (database versions not stated): gnomAD 0.00004 and 0.00006; gnomAD exomes 0.00006 and 0.00023; TOPMed 0.00015; ExAC 0.00023; 1000 Genomes Project 30x 0.00062; 1000 Genomes Project 0.00080.
gnomAD v4.1: 93 of 1,613,998 alleles (0.0058%); highest among the groups gnomAD compares: East Asian, 0.17%; 1 homozygote.

Submissions (5):

Labcorp Genetics (formerly Invitae), Labcorp
Classification: Benign for Distal myopathy with posterior leg and anterior hand involvement; Myofibrillar myopathy 5; Hypertrophic cardiomyopathy 26. Last evaluated: 2026-02-03. Review status: criteria provided, single submitter. Criteria: Invitae Variant Classification Sherloc (09022015). Collection method: clinical testing. Allele origin: germline.

Blueprint Genetics
Classification: Likely benign. Last evaluated: 2024-02-28. Review status: criteria provided, single submitter. Criteria: ACMG Guidelines, 2015. Collection method: clinical testing. Allele origin: germline.

Phosphorus, Inc.
Classification: Likely benign. Last evaluated: 2022-01-17. Review status: criteria provided, single submitter. Criteria: ACMG Guidelines, 2015. Collection method: clinical testing. Allele origin: germline. Inheritance: Autosomal dominant inheritance.
Comment: This synonymous variant has an entry in ClinVar (472062) NM_001458.5 (FLNC): c.4140C>T (p.Thr1380=) and has occurred in GnomAD with a total MAF of 0.0212% and highest MAF of 0.2958% in the East Asian population. This position is not conserved. In silico splicing algorithm was unavailable, however it is not predicted to impact splicing due to its distance from the splice site. No functional studies were performed to confirm this prediction. The variant has not occurred in literature associated with disease. Considering the above evidence, this variant has been classified as Likely Benign.

Ambry Genetics
Classification: Likely benign for Cardiovascular phenotype. Last evaluated: 2019-08-24. Review status: criteria provided, single submitter. Criteria: Ambry Variant Classification Scheme 2023. Collection method: clinical testing. Allele origin: germline.

Athena Diagnostics
Classification: Benign. Last evaluated: 2018-04-09. Review status: criteria provided, single submitter. Criteria: Athena Diagnostics Criteria. Collection method: clinical testing. Allele origin: germline.